The following is an entry in ClinVar:

ClinVar aggregate classification (germline): Conflicting classifications of pathogenicity. Review status: criteria provided, conflicting classifications (1 of 4 stars). 3 submissions from 3 submitters: Uncertain significance (2); Likely benign (1). Last evaluated 2026-01-27.

Conditions:
MYH14-related disorder. Also called: MYH14-related condition.

Allele frequency attached by ClinVar (database versions not stated): gnomAD 0.00001; TOPMed 0.00001; ExAC 0.00003.
gnomAD v4.1: 24 of 1,611,248 alleles (0.0015%); highest among the groups gnomAD compares: East Asian, 0.0045%; no homozygotes.

Submissions (3):

PreventionGenetics, part of Exact Sciences
Classification: Uncertain significance for MYH14-related condition. Last evaluated: 2026-01-27. Review status: criteria provided, single submitter. Criteria: ACMG Guidelines, 2015. Collection method: clinical testing. Allele origin: germline.
Comment: The MYH14 c.4526G>A variant is predicted to result in the amino acid substitution p.Arg1509His. To our knowledge, this variant has not been reported in the literature. This variant is reported in 0.0056% of alleles in individuals of East Asian descent in gnomAD. At this time, the clinical significance of this variant is uncertain due to the absence of conclusive functional and genetic evidence.

Women's Health and Genetics/Laboratory Corporation of America, LabCorp
Classification: Likely benign. Last evaluated: 2025-02-10. Review status: criteria provided, single submitter. Criteria: LabCorp Variant Classification Summary - May 2015. Collection method: clinical testing. Allele origin: germline.
Comment: Variant summary: MYH14 c.4403G>A (p.Arg1468His) results in a non-conservative amino acid change in the encoded protein sequence. Four of five in-silico tools predict a damaging effect of the variant on protein function. The variant allele was found at a frequency of 1.5e-05 in 1611248 control chromosomes. The observed variant frequency is approximately 23 fold of the estimated maximal expected allele frequency for a pathogenic variant in MYH14 causing Autosomal dominant nonsyndromic hearing loss 4A phenotype (6.3e-07). To our knowledge, no occurrence of c.4403G>A in individuals affected with Autosomal dominant nonsyndromic hearing loss 4A and no experimental evidence demonstrating its impact on protein function have been reported. ClinVar contains an entry for this variant (Variation ID: 2976737). Based on the evidence outlined above, the variant was classified as likely benign.

Labcorp Genetics (formerly Invitae), Labcorp
Classification: Uncertain significance. Last evaluated: 2023-08-25. Review status: criteria provided, single submitter. Criteria: Invitae Variant Classification Sherloc (09022015). Collection method: clinical testing. Allele origin: germline.
Comment: This sequence change replaces arginine, which is basic and polar, with histidine, which is basic and polar, at codon 1468 of the MYH14 protein (p.Arg1468His). This variant is present in population databases (rs760481743, gnomAD 0.006%). This variant has not been reported in the literature in individuals affected with MYH14-related conditions. Advanced modeling of protein sequence and biophysical properties (such as structural, functional, and spatial information, amino acid conservation, physicochemical variation, residue mobility, and thermodynamic stability) performed at Invitae indicates that this missense variant is expected to disrupt MYH14 protein function. In summary, the available evidence is currently insufficient to determine the role of this variant in disease. Therefore, it has been classified as a Variant of Uncertain Significance.

NM_001145809.2(MYH14):c.4526G>A (p.Arg1509His)

Gene: MYH14 (myosin heavy chain 14; plus strand). Cytogenetic location: 19q13.33.
Variant type: single nucleotide variant.
Coding change: c.4526G>A on transcript NM_001145809.2 (MANE Select); coding-DNA position 4526, G replaced by A.
Protein change: p.Arg1509His; replaces arginine 1509 with histidine.
Molecular consequence: missense variant.
Genome position (GRCh38, 1-based): chr19:50,281,829, G>A. VCF-style: chr19-50281829-G-A. GRCh37 (hg19) VCF-style: chr19-50785086-G-A.
Other names: c.4526G>A (NM_001145809.1); c.4427G>A, p.Arg1476His (NM_001077186.2); c.4403G>A, p.Arg1468His (NM_024729.4); short protein forms R1468H, R1476H, R1509H.
Identifiers: ClinVar variation 2976737 (VCV002976737.5), dbSNP rs760481743, ClinGen allele CA9593526.